The following is an entry in ClinVar:

NM_144670.6(A2ML1):c.2864C>A (p.Thr955Lys)

Gene: A2ML1 (alpha-2-macroglobulin like 1; plus strand). Cytogenetic location: 12p13.31.
Variant type: single nucleotide variant.
Coding change: c.2864C>A on transcript NM_144670.6 (MANE Select); coding-DNA position 2864, C replaced by A.
Protein change: p.Thr955Lys; replaces threonine 955 with lysine.
Molecular consequence: missense variant.
Genome position (GRCh38, 1-based): chr12:8,857,179, C>A. VCF-style: chr12-8857179-C-A. GRCh37 (hg19) VCF-style: chr12-9009775-C-A.
Other names: c.1391C>A, p.Thr464Lys (NM_001282424.3); short protein forms T955K, T464K.
Identifiers: ClinVar variation 3685767 (VCV003685767.2).

ClinVar aggregate classification (germline): Uncertain significance (1 of 4 stars; one submission).

Submission:

Labcorp Genetics (formerly Invitae), Labcorp
Classification: Uncertain significance. Last evaluated: 2024-08-31. Review status: criteria provided, single submitter. Criteria: Invitae Variant Classification Sherloc (09022015). Collection method: clinical testing. Allele origin: germline.
Comment: This sequence change replaces threonine, which is neutral and polar, with lysine, which is basic and polar, at codon 955 of the A2ML1 protein (p.Thr955Lys). This variant is not present in population databases (gnomAD no frequency). This variant has not been reported in the literature in individuals affected with A2ML1-related conditions. An algorithm developed to predict the effect of missense changes on protein structure and function (PolyPhen-2) suggests that this variant is likely to be tolerated. In summary, the available evidence is currently insufficient to determine the role of this variant in disease. Therefore, it has been classified as a Variant of Uncertain Significance.